The following is an entry in ClinVar:

ClinVar aggregate classification (germline): Likely pathogenic (1 of 4 stars; one submission).

Submission:

GeneDx
Classification: Likely pathogenic. Last evaluated: 2015-06-11. Review status: criteria provided, single submitter. Criteria: GeneDx Variant Classification (06012015). Collection method: clinical testing. Allele origin: germline. Affected: yes.
Comment: The K1621X variant in the SHANK3 gene has not been reported previously as a disease-causing variant nor as a benign polymorphism, to our knowledge. This variant is predicted to cause loss of normal protein function through protein truncation. The K1621X mutation was not observed in approximately 2600 individuals of European and African American ancestry in the NHLBI Exome Sequencing Project, indicating it is not a common benign variant in these populations. The K1621X variant is a strong candidate for a disease-causing variant however the possibility it may be a rare benign variant cannot be excluded

NM_001372044.2(SHANK3):c.5086A>T (p.Lys1696Ter)

Gene: SHANK3 (SH3 and multiple ankyrin repeat domains 3; plus strand). Cytogenetic location: 22q13.33.
Variant type: single nucleotide variant.
Coding change: c.5086A>T on transcript NM_001372044.2 (MANE Select); coding-DNA position 5086, A replaced by T.
Protein change: p.Lys1696Ter; replaces lysine 1696 with a stop codon.
Molecular consequence: nonsense.
Genome position (GRCh38, 1-based): chr22:50,730,977, A>T. VCF-style: chr22-50730977-A-T. GRCh37 (hg19) VCF-style: chr22-51169405-A-T.
Other names: c.4861A>T, p.Lys1621Ter (NM_033517.1); short protein forms K1621*, K1696*.
Identifiers: ClinVar variation 427096 (VCV000427096.2), dbSNP rs1085307954, ClinGen allele CA515267055.